The following is an entry in ClinVar:

NM_181882.3(PRX):c.1490C>T (p.Pro497Leu)

Gene: PRX (periaxin; minus strand). Cytogenetic location: 19q13.2.
Variant type: single nucleotide variant.
Coding change: c.1490C>T on transcript NM_181882.3 (MANE Select); coding-DNA position 1490, C replaced by T.
Protein change: p.Pro497Leu; replaces proline 497 with leucine.
Molecular consequence: missense variant. On other transcripts: 3 prime UTR variant (1).
Genome position (GRCh38, 1-based): chr19:40,396,862, G>A on the plus strand (C>T on the coding strand, the complement: PRX is on the minus strand). VCF-style: chr19-40396862-G-A. GRCh37 (hg19) VCF-style: chr19-40902769-G-A.
Other names: c.*1695C>T (NM_020956.2); short protein forms P497L.
Identifiers: ClinVar variation 916920 (VCV000916920.11), dbSNP rs1167411868, ClinGen allele CA405898287.

ClinVar aggregate classification (germline): Conflicting classifications of pathogenicity. Review status: criteria provided, conflicting classifications (1 of 4 stars). 4 submissions from 4 submitters: Uncertain significance (3); Benign (1). Last evaluated 2025-02-16.

Conditions:
Charcot-Marie-Tooth disease. Also called: Charcot-Marie-Tooth Hereditary Neuropathy; Charcot-Marie-Tooth Neuropathy. Identifiers: Orphanet 166, MedGen C0007959, MONDO:0015626.
Charcot-Marie-Tooth disease type 4. Also called: Charcot-Marie-Tooth, Type 4; Charcot-Marie-Tooth disease, type IV. Identifiers: Orphanet 64749, MedGen C4082197, MONDO:0018995.

Allele frequency attached by ClinVar (database versions not stated): gnomAD 0.00001; 1000 Genomes Project 30x 0.00016.

Submissions (4):

Laboratory of Genetics, Children's Clinical University Hospital Latvia
Classification: Benign. Last evaluated: 2025-02-16. Review status: criteria provided, single submitter. Criteria: ACMG Guidelines, 2015. Collection method: clinical testing. Allele origin: germline. Affected: yes.

Labcorp Genetics (formerly Invitae), Labcorp
Classification: Uncertain significance for Charcot-Marie-Tooth disease type 4. Last evaluated: 2021-12-27. Review status: criteria provided, single submitter. Criteria: Invitae Variant Classification Sherloc (09022015). Collection method: clinical testing. Allele origin: germline.
Comment: This sequence change replaces proline, which is neutral and non-polar, with leucine, which is neutral and non-polar, at codon 497 of the PRX protein (p.Pro497Leu). In summary, the available evidence is currently insufficient to determine the role of this variant in disease. Therefore, it has been classified as a Variant of Uncertain Significance. Algorithms developed to predict the effect of missense changes on protein structure and function (SIFT, PolyPhen-2, Align-GVGD) all suggest that this variant is likely to be tolerated. ClinVar contains an entry for this variant (Variation ID: 916920). This variant has not been reported in the literature in individuals affected with PRX-related conditions. This variant is not present in population databases (gnomAD no frequency).

Mayo Clinic Laboratories, Mayo Clinic
Classification: Uncertain significance. Last evaluated: 2021-02-11. Review status: criteria provided, single submitter. Criteria: ACMG Guidelines, 2015. Collection method: clinical testing. Allele origin: germline. Observed: 1 variant allele.

Molecular Genetics Laboratory, London Health Sciences Centre
Classification: Uncertain significance for Charcot-Marie-Tooth disease. Review status: criteria provided, single submitter. Criteria: ACMG Guidelines, 2015. Collection method: clinical testing. Allele origin: germline. Affected: yes.